The following is an entry in ClinVar:

NM_013435.3(RAX):c.*1746G>A

Gene: RAX (retina and anterior neural fold homeobox; minus strand). Cytogenetic location: 18q21.32.
Variant type: single nucleotide variant.
Coding change: c.*1746G>A on transcript NM_013435.3 (MANE Select); 1746 bases downstream of the stop codon, G replaced by A.
Molecular consequence: 3 prime UTR variant.
Genome position (GRCh38, 1-based): chr18:59,267,258, C>T on the plus strand (G>A on the coding strand, the complement: RAX is on the minus strand). VCF-style: chr18-59267258-C-T. GRCh37 (hg19) VCF-style: chr18-56934490-C-T.
Identifiers: ClinVar variation 327504 (VCV000327504.5), dbSNP rs75632360, ClinGen allele CA10651965.

ClinVar aggregate classification (germline): Benign (1 of 4 stars; one submission).

Conditions:
Isolated microphthalmia 3 (MCOPS16). Also called: MICROPHTHALMIA, SYNDROMIC 16. Identifiers: Orphanet 2542, MedGen C5774181, MONDO:0012604, OMIM 611038.

Allele frequency attached by ClinVar (database versions not stated): gnomAD 0.01666 and 0.01803; 1000 Genomes Project 30x 0.01843; 1000 Genomes Project 0.01877; TOPMed 0.01947; gnomAD exomes 0.03571.
gnomAD v4.1: 2,516 of 152,306 alleles (1.7%); highest among the groups gnomAD compares: African/African-American, 5.7%; 73 homozygotes.

Submission:

Illumina Laboratory Services, Illumina
Classification: Benign for Isolated microphthalmia 3. Last evaluated: 2018-01-13. Review status: criteria provided, single submitter. Criteria: ICSL Variant Classification Criteria 13 December 2019. Collection method: clinical testing. Allele origin: germline.
Comment: This variant was observed in the ICSL laboratory as part of a predisposition screen in an ostensibly healthy population. It had not been previously curated by ICSL or reported in the Human Gene Mutation Database (HGMD: prior to June 1st, 2018), and was therefore a candidate for classification through an automated scoring system. Utilizing variant allele frequency, disease prevalence and penetrance estimates, and inheritance mode, an automated score was calculated to assess if this variant is too frequent to cause the disease. Based on the score and internal cut-off values, a variant classified as benign is not then subjected to further curation. The score for this variant resulted in a classification of benign for this disease.